The following is an entry in ClinVar:

ClinVar aggregate classification (germline): Pathogenic (1 of 4 stars; one submission).

Conditions:
Cone-rod dystrophy 6 (CORD6). Also called: Cone dystrophy progressive; RETINAL CONE DYSTROPHY 2. Identifiers: Orphanet 1872, MedGen C1866293, MONDO:0011143, OMIM 601777.
Leber congenital amaurosis 1 (LCA1). Also called: Congenital absence of the rods and cones; Leber's congenital tapetoretinal degeneration; Leber's congenital tapetoretinal dysplasia; AMAUROSIS CONGENITA OF LEBER I; RETINAL BLINDNESS, CONGENITAL. Identifiers: Orphanet 65, MedGen C2931258, MONDO:0008764, OMIM 204000.

Submission:

Labcorp Genetics (formerly Invitae), Labcorp
Classification: Pathogenic for Leber congenital amaurosis 1; Cone-rod dystrophy 6. Last evaluated: 2023-10-22. Review status: criteria provided, single submitter. Criteria: Invitae Variant Classification Sherloc (09022015). Collection method: clinical testing. Allele origin: germline.
Comment: This sequence change creates a premature translational stop signal (p.Asp384Argfs*9) in the GUCY2D gene. It is expected to result in an absent or disrupted protein product. Loss-of-function variants in GUCY2D are known to be pathogenic (PMID: 10951519, 11328726). This variant is not present in population databases (gnomAD no frequency). This variant has not been reported in the literature in individuals affected with GUCY2D-related conditions. For these reasons, this variant has been classified as Pathogenic.

Literature cited by the submitters: PubMed 10951519; PubMed 11328726.

NM_000180.4(GUCY2D):c.1149_1155del (p.Asp384fs)

Gene: GUCY2D (guanylate cyclase 2D, retinal; plus strand). Cytogenetic location: 17p13.1.
Variant type: Deletion.
Coding change: c.1149_1155del on transcript NM_000180.4 (MANE Select); coding-DNA positions 1149 to 1155, 7 bases deleted (GGATGCG; older notation c.1149_1155delGGATGCG).
Protein change: p.Asp384fs; shifts the reading frame from aspartic acid 384.
Molecular consequence: frameshift variant.
Genome position (GRCh38, 1-based): chr17:8,006,485-8,006,491, GGATGCG deleted; deleting any 7 consecutive bases within chr17:8,006,483-8,006,491 gives the same sequence; the c. name uses the placement nearest the transcript's 3' end. VCF-style (leftmost placement, unchanged base first): chr17-8006482-CCGGGATG-C. GRCh37 (hg19) VCF-style: chr17-7909800-CCGGGATG-C.
Other names: short protein forms D384fs.
Identifiers: ClinVar variation 2950714 (VCV002950714.3), dbSNP rs2545420235, ClinGen allele CA2740095232.